The following is an entry in ClinVar:

ClinVar aggregate classification (germline): Likely benign. Review status: criteria provided, multiple submitters, no conflicts (2 of 4 stars). 4 submissions from 4 submitters: Likely benign (3). 1 of the submissions does not count toward it. Last evaluated 2025-12-16.

Conditions:
ABCA3-related disorder. Also called: ABCA3-related condition.
Hereditary pulmonary alveolar proteinosis. Also called: Pulmonary surfactant metabolism dysfunction. Identifiers: Orphanet 264675, MedGen C3711368, MONDO:0012580.

Allele frequency attached by ClinVar (database versions not stated): TOPMed 0.00003; gnomAD 0.00004; gnomAD exomes 0.00005; ExAC 0.00008.
gnomAD v4.1: 83 of 1,613,802 alleles (0.0051%); highest among the groups gnomAD compares: Non-Finnish European, 0.0062%; no homozygotes.

Submissions (4):

Labcorp Genetics (formerly Invitae), Labcorp
Classification: Likely benign. Last evaluated: 2025-12-16. Review status: criteria provided, single submitter. Criteria: Invitae Variant Classification Sherloc (09022015). Collection method: clinical testing. Allele origin: germline.

Blueprint Genetics
Classification: Likely benign. Last evaluated: 2024-04-22. Review status: criteria provided, single submitter. Criteria: ACMG Guidelines, 2015. Collection method: clinical testing. Allele origin: germline.

Ambry Genetics
Classification: Likely benign for Hereditary pulmonary alveolar proteinosis. Last evaluated: 2022-02-20. Review status: criteria provided, single submitter. Criteria: Ambry Variant Classification Scheme 2023. Collection method: clinical testing. Allele origin: germline.

PreventionGenetics, part of Exact Sciences
Classification: Likely benign for ABCA3-related condition. Last evaluated: 2019-04-30. Review status: no assertion criteria provided. Collection method: clinical testing. Allele origin: germline. Not counted in ClinVar's aggregate classification.
Comment: This variant is classified as likely benign based on ACMG/AMP sequence variant interpretation guidelines (Richards et al. 2015 PMID: 25741868, with internal and published modifications).

NM_001089.3(ABCA3):c.3525C>T (p.Asp1175=)

Gene: ABCA3 (ATP binding cassette subfamily A member 3; minus strand). Cytogenetic location: 16p13.3.
Variant type: single nucleotide variant.
Coding change: c.3525C>T on transcript NM_001089.3 (MANE Select); coding-DNA position 3525, C replaced by T.
Protein change: p.Asp1175=; no amino-acid change (aspartic acid 1175 retained).
Molecular consequence: synonymous variant.
Genome position (GRCh38, 1-based): chr16:2,284,957, G>A on the plus strand (C>T on the coding strand, the complement: ABCA3 is on the minus strand). VCF-style: chr16-2284957-G-A. GRCh37 (hg19) VCF-style: chr16-2334958-G-A.
Identifiers: ClinVar variation 1732300 (VCV001732300.8), dbSNP rs752794136, ClinGen allele CA7840470.